The following is an entry in ClinVar:

NM_001084.5(PLOD3):c.640C>T (p.His214Tyr)

Gene: PLOD3 (procollagen-lysine,2-oxoglutarate 5-dioxygenase 3; minus strand). Cytogenetic location: 7q22.1.
Variant type: single nucleotide variant.
Coding change: c.640C>T on transcript NM_001084.5 (MANE Select); coding-DNA position 640, C replaced by T.
Protein change: p.His214Tyr; replaces histidine 214 with tyrosine.
Molecular consequence: missense variant.
Genome position (GRCh38, 1-based): chr7:101,215,128, G>A on the plus strand (C>T on the coding strand, the complement: PLOD3 is on the minus strand). VCF-style: chr7-101215128-G-A. GRCh37 (hg19) VCF-style: chr7-100858409-G-A.
Other names: short protein forms H214Y.
Identifiers: ClinVar variation 1472566 (VCV001472566.8), dbSNP rs2116809270, ClinGen allele CA368623862.

ClinVar aggregate classification (germline): Uncertain significance (1 of 4 stars; one submission).

Allele frequency attached by ClinVar (database versions not stated): gnomAD exomes below 0.00001.

Submission:

Labcorp Genetics (formerly Invitae), Labcorp
Classification: Uncertain significance. Last evaluated: 2021-03-15. Review status: criteria provided, single submitter. Criteria: Invitae Variant Classification Sherloc (09022015). Collection method: clinical testing. Allele origin: germline.
Comment: This sequence change replaces histidine with tyrosine at codon 214 of the PLOD3 protein (p.His214Tyr). The histidine residue is highly conserved and there is a moderate physicochemical difference between histidine and tyrosine. This variant is not present in population databases (ExAC no frequency). This variant has not been reported in the literature in individuals with PLOD3-related conditions. Algorithms developed to predict the effect of missense changes on protein structure and function (SIFT, PolyPhen-2, Align-GVGD) all suggest that this variant is likely to be tolerated, but these predictions have not been confirmed by published functional studies and their clinical significance is uncertain. In summary, the available evidence is currently insufficient to determine the role of this variant in disease. Therefore, it has been classified as a Variant of Uncertain Significance.